The following is an entry in ClinVar:

ClinVar aggregate classification (germline): Likely pathogenic (1 of 4 stars; one submission).

Conditions:
alpha Thalassemia. Also called: Alpha thalassemia spectrum. Identifiers: Orphanet 846, MedGen C0002312, MONDO:0011399, OMIM 604131.

Submission:

Natera, Inc.
Classification: Likely pathogenic for Alpha thalassemia. Last evaluated: 2025-10-10. Review status: criteria provided, single submitter. Criteria: Natera Variant Classification Schema (03/2026). Collection method: clinical testing. Allele origin: germline.
Comment: The c.126_129delCTAC variant in HBA2 is a frameshift variant predicted to shift the reading frame beginning at codon 43 and leads to a stop codon 6 codons downstream. This variant is expected to result in nonsense mediated decay, truncation, or a dysfunctional protein product. This variant is rare in the general population with a frequency below the threshold expected for the associated phenotype(s). Given the available evidence, this variant is classified as Likely Pathogenic.

NM_000517.6(HBA2):c.126_129del (p.Tyr43fs)

Genes: HBA2 (hemoglobin subunit alpha 2; plus strand), LOC106804612 (hemoglobin subunit alpha 2 recombination region; plus strand). Cytogenetic location: 16p13.3.
Variant type: Deletion.
Coding change: c.126_129del on transcript NM_000517.6 (MANE Select); coding-DNA positions 126 to 129, 4 bases deleted (CTAC; older notation c.126_129delCTAC).
Protein change: p.Tyr43fs; shifts the reading frame from tyrosine 43.
Molecular consequence: frameshift variant.
Genome position (GRCh38, 1-based): chr16:173,155-173,158, CTAC deleted; deleting any 4 consecutive bases within chr16:173,153-173,158 gives the same sequence; the c. name uses the placement nearest the transcript's 3' end. VCF-style (leftmost placement, unchanged base first): chr16-173152-GACCT-G. GRCh37 (hg19) VCF-style: chr16-223151-GACCT-G.
Other names: short protein forms Y43fs.
Identifiers: ClinVar variation 4818618 (VCV004818618.1).